The following is an entry in ClinVar:

NM_000642.3(AGL):c.1994C>T (p.Pro665Leu)

Gene: AGL (amylo-alpha-1,6-glucosidase and 4-alpha-glucanotransferase; plus strand). Cytogenetic location: 1p21.2.
Variant type: single nucleotide variant.
Coding change: c.1994C>T on transcript NM_000642.3 (MANE Select); coding-DNA position 1994, C replaced by T.
Protein change: p.Pro665Leu; replaces proline 665 with leucine.
Molecular consequence: missense variant.
Genome position (GRCh38, 1-based): chr1:99,881,170, C>T. VCF-style: chr1-99881170-C-T. GRCh37 (hg19) VCF-style: chr1-100346726-C-T.
Other names: c.1994C>T, p.Pro665Leu (NM_000028.3, NM_000643.3, NM_000644.3 and 2 more transcripts); c.1946C>T, p.Pro649Leu (NM_000646.3); c.1793C>T, p.Pro598Leu (NM_001425327.1); c.1994C>T (NM_000642.2); c.1616C>T, p.Pro539Leu (NM_001425332.1); c.1790C>T, p.Pro597Leu (NM_001425328.1, NM_001425329.1); short protein forms P649L, P665L, P539L, P597L, P598L.
Identifiers: ClinVar variation 2415851 (VCV002415851.7), dbSNP rs2524649035, ClinGen allele CA341318317.

ClinVar aggregate classification (germline): Uncertain significance. Review status: criteria provided, multiple submitters, no conflicts (2 of 4 stars). 2 submissions from 2 submitters: Uncertain significance (2). Last evaluated 2025-01-23.

Conditions:
Inborn genetic diseases. Identifiers: MedGen C0950123, MeSH D030342.
Glycogen storage disease type III (GSD3). Also called: Cori disease; FORBES DISEASE. Identifiers: Orphanet 366, MedGen C0017922, MONDO:0009291, OMIM 232400.

gnomAD v4.1: 1 of 1,613,346 alleles (0.000062%); highest among the groups gnomAD compares: Non-Finnish European, 0.000085%; no homozygotes.

Submissions (2):

Ambry Genetics
Classification: Uncertain significance for Inborn genetic diseases. Last evaluated: 2025-01-23. Review status: criteria provided, single submitter. Criteria: Ambry Variant Classification Scheme 2023. Collection method: clinical testing. Allele origin: germline.

Labcorp Genetics (formerly Invitae), Labcorp
Classification: Uncertain significance for Glycogen storage disease type III. Last evaluated: 2022-05-13. Review status: criteria provided, single submitter. Criteria: Invitae Variant Classification Sherloc (09022015). Collection method: clinical testing. Allele origin: germline.
Comment: In summary, the available evidence is currently insufficient to determine the role of this variant in disease. Therefore, it has been classified as a Variant of Uncertain Significance. Algorithms developed to predict the effect of missense changes on protein structure and function are either unavailable or do not agree on the potential impact of this missense change (SIFT: "Deleterious"; PolyPhen-2: "Probably Damaging"; Align-GVGD: "Class C0"). This variant has not been reported in the literature in individuals affected with AGL-related conditions. This variant is not present in population databases (gnomAD no frequency). This sequence change replaces proline, which is neutral and non-polar, with leucine, which is neutral and non-polar, at codon 665 of the AGL protein (p.Pro665Leu).